The following is an entry in ClinVar:

ClinVar aggregate classification (germline): Uncertain significance (1 of 4 stars; one submission).

Conditions:
Neuropathy, hereditary sensory, type 2C. Also called: Hereditary sensory and autonomic neuropathy type IIC; KIF1A-Related HSAN2 (HSAN2C). Identifiers: Orphanet 970, MedGen C3280168, MONDO:0013634, OMIM 614213.
Hereditary spastic paraplegia 30. Identifiers: Orphanet 101010, MedGen C5235139, MONDO:0012476.
Intellectual disability, autosomal dominant 9 (NESCAVS). Also called: NESCAV SYNDROME; KIF1A-Related Neurodevelopmental Disorder. Identifiers: Orphanet 662367, MedGen C5393830, MONDO:0013656, OMIM 614255.

Allele frequency attached by ClinVar (database versions not stated): gnomAD exomes below 0.00001; gnomAD 0.00001; TOPMed 0.00001.

Submission:

Labcorp Genetics (formerly Invitae), Labcorp
Classification: Uncertain significance for Hereditary spastic paraplegia 30; Neuropathy, hereditary sensory, type 2C; Intellectual disability, autosomal dominant 9. Last evaluated: 2023-11-21. Review status: criteria provided, single submitter. Criteria: Invitae Variant Classification Sherloc (09022015). Collection method: clinical testing. Allele origin: germline.
Comment: This sequence change replaces arginine, which is basic and polar, with histidine, which is basic and polar, at codon 1320 of the KIF1A protein (p.Arg1320His). This variant is present in population databases (no rsID available, gnomAD no frequency). This variant has not been reported in the literature in individuals affected with KIF1A-related conditions. Advanced modeling of protein sequence and biophysical properties (such as structural, functional, and spatial information, amino acid conservation, physicochemical variation, residue mobility, and thermodynamic stability) performed at Invitae indicates that this missense variant is not expected to disrupt KIF1A protein function with a negative predictive value of 95%. In summary, the available evidence is currently insufficient to determine the role of this variant in disease. Therefore, it has been classified as a Variant of Uncertain Significance.

NM_001244008.2(KIF1A):c.4262G>A (p.Arg1421His)

Gene: KIF1A (kinesin family member 1A; minus strand). Cytogenetic location: 2q37.3.
Variant type: single nucleotide variant.
Coding change: c.4262G>A on transcript NM_001244008.2 (MANE Select); coding-DNA position 4262, G replaced by A.
Protein change: p.Arg1421His; replaces arginine 1421 with histidine.
Molecular consequence: missense variant.
Genome position (GRCh38, 1-based): chr2:240,724,031, C>T on the plus strand (G>A on the coding strand, the complement: KIF1A is on the minus strand). VCF-style: chr2-240724031-C-T. GRCh37 (hg19) VCF-style: chr2-241663448-C-T.
Other names: c.3986G>A, p.Arg1329His (NM_001320705.2, NM_001379649.1); c.4013G>A, p.Arg1338His (NM_001330289.2); c.4061G>A, p.Arg1354His (NM_001330290.2, NM_001379648.1); c.4337G>A, p.Arg1446His (NM_001379631.1); c.4238G>A, p.Arg1413His (NM_001379632.1); c.4235G>A, p.Arg1412His (NM_001379633.1, NM_001379645.1); c.4088G>A, p.Arg1363His (NM_001379634.1); c.4085G>A, p.Arg1362His (NM_001379635.1, NM_001379646.1); and 7 more; short protein forms R1412H, R1319H, R1329H, R1337H, R1354H, R1421H, R1446H, R1320H.
Identifiers: ClinVar variation 2926386 (VCV002926386.3), dbSNP rs1279419701, ClinGen allele CA351306325.
Genomic context (GRCh38, chr2:240,724,031, plus strand): 5'-CTACCTGGGCTGCCCGCGTCAGCCACGTGGCACAGGCTGAGCTCGTACACACCAGTCACA[C>T]GGTTACTGTGGGGAGTAGAAGGAGTGACATGCAGTCACCAGGCCCCGCAACAGGGACACA-3'
Protein context (NP_001230937.1, residues 1411-1431): SGSLRASESN[Arg1421His]VTGVYELSLC